The following is an entry in ClinVar:

NM_001394062.1(MACF1):c.1474G>A (p.Glu492Lys)

Gene: MACF1 (microtubule actin crosslinking factor 1; plus strand). Cytogenetic location: 1p34.3.
Variant type: single nucleotide variant.
Coding change: c.1474G>A on transcript NM_001394062.1 (MANE Select); coding-DNA position 1474, G replaced by A.
Protein change: p.Glu492Lys; replaces glutamic acid 492 with lysine.
Molecular consequence: missense variant.
Genome position (GRCh38, 1-based): chr1:39,285,724, G>A. VCF-style: chr1-39285724-G-A. GRCh37 (hg19) VCF-style: chr1-39751396-G-A.
Other names: c.1489G>A, p.Glu497Lys (NM_012090.5); short protein forms E492K, E497K.
Identifiers: ClinVar variation 4853334 (VCV004853334.1).

ClinVar aggregate classification (germline): Uncertain significance (1 of 4 stars; one submission).

gnomAD v4.1: 1 of 1,614,040 alleles (0.000062%); highest among the groups gnomAD compares: African/African-American, 0.0013%; no homozygotes.

Submission:

Women's Health and Genetics/Laboratory Corporation of America, LabCorp
Classification: Uncertain significance. Last evaluated: 2026-05-11. Review status: criteria provided, single submitter. Criteria: LabCorp Variant Classification Summary - May 2015. Collection method: clinical testing. Allele origin: germline.
Comment: Variant summary: MACF1 c.1489G>A (p.Glu497Lys) results in a conservative amino acid change in the encoded protein sequence. Algorithms developed to predict the effect of missense changes on protein structure and function are either unavailable or do not agree on the potential impact of this missense change. The variant was absent in 250824 control chromosomes. The available data on variant occurrences in the general population are insufficient to allow any conclusion about variant significance. To our knowledge, no occurrence of c.1489G>A in individuals affected with MACF1-related conditions and no experimental evidence demonstrating its impact on protein function have been reported. No submitters have cited clinical-significance assessments for this variant to ClinVar. Based on the evidence outlined above, the variant was classified as uncertain significance.